The following is an entry in ClinVar:

NM_172364.5(CACNA2D4):c.2951C>A (p.Ser984Tyr)

Gene: CACNA2D4 (calcium voltage-gated channel auxiliary subunit alpha2delta 4; minus strand). Cytogenetic location: 12p13.33.
Variant type: single nucleotide variant.
Coding change: c.2951C>A on transcript NM_172364.5 (MANE Select); coding-DNA position 2951, C replaced by A.
Protein change: p.Ser984Tyr; replaces serine 984 with tyrosine.
Molecular consequence: missense variant.
Genome position (GRCh38, 1-based): chr12:1,800,023, G>T on the plus strand (C>A on the coding strand, the complement: CACNA2D4 is on the minus strand). VCF-style: chr12-1800023-G-T. GRCh37 (hg19) VCF-style: chr12-1909189-G-T.
Other names: short protein forms S984Y.
Identifiers: ClinVar variation 1505226 (VCV001505226.7), dbSNP rs747585848, ClinGen allele CA231522530.

ClinVar aggregate classification (germline): Uncertain significance. Review status: criteria provided, multiple submitters, no conflicts (2 of 4 stars). 2 submissions from 2 submitters: Uncertain significance (2). Last evaluated 2022-04-20.

gnomAD v4.1: 2 of 1,605,208 alleles (0.00012%); highest among the groups gnomAD compares: Non-Finnish European, 0.000085%; no homozygotes.

Submissions (2):

Labcorp Genetics (formerly Invitae), Labcorp
Classification: Uncertain significance. Last evaluated: 2022-04-20. Review status: criteria provided, single submitter. Criteria: Invitae Variant Classification Sherloc (09022015). Collection method: clinical testing. Allele origin: germline.
Comment: Algorithms developed to predict the effect of missense changes on protein structure and function (SIFT, PolyPhen-2, Align-GVGD) all suggest that this variant is likely to be tolerated. In summary, the available evidence is currently insufficient to determine the role of this variant in disease. Therefore, it has been classified as a Variant of Uncertain Significance. This variant has not been reported in the literature in individuals affected with CACNA2D4-related conditions. This variant is not present in population databases (gnomAD no frequency). This sequence change replaces serine, which is neutral and polar, with tyrosine, which is neutral and polar, at codon 984 of the CACNA2D4 protein (p.Ser984Tyr).

Blueprint Genetics
Classification: Uncertain significance. Last evaluated: 2018-11-19. Review status: criteria provided, single submitter. Criteria: ACMG Guidelines, 2015. Collection method: clinical testing. Allele origin: germline.